The following is an entry in ClinVar:

NM_005732.4(RAD50):c.1670C>G (p.Ser557Cys)

Gene: RAD50 (RAD50 double strand break repair protein; plus strand). Cytogenetic location: 5q31.1.
Variant type: single nucleotide variant.
Coding change: c.1670C>G on transcript NM_005732.4 (MANE Select); coding-DNA position 1670, C replaced by G.
Protein change: p.Ser557Cys; replaces serine 557 with cysteine.
Molecular consequence: missense variant.
Genome position (GRCh38, 1-based): chr5:132,591,911, C>G. VCF-style: chr5-132591911-C-G. GRCh37 (hg19) VCF-style: chr5-131927603-C-G.
Other names: short protein forms S557C.
Identifiers: ClinVar variation 457382 (VCV000457382.14), dbSNP rs1554098474, ClinGen allele CA360946399.

ClinVar aggregate classification (germline): Uncertain significance. Review status: criteria provided, multiple submitters, no conflicts (2 of 4 stars). 3 submissions from 3 submitters: Uncertain significance (3). Last evaluated 2025-03-17.

Conditions:
Hereditary cancer-predisposing syndrome. Also called: Neoplastic Syndromes, Hereditary; Tumor predisposition; Hereditary Cancer Syndrome; Hereditary neoplastic syndrome. Identifiers: Orphanet 140162, MedGen C0027672, MeSH D009386, MONDO:0015356.

Allele frequency attached by ClinVar (database versions not stated): gnomAD exomes below 0.00001.
gnomAD v4.1: 1 of 1,608,016 alleles (0.000062%); no homozygotes.

Submissions (3):

Labcorp Genetics (formerly Invitae), Labcorp
Classification: Uncertain significance for Hereditary cancer-predisposing syndrome. Last evaluated: 2025-03-17. Review status: criteria provided, single submitter. Criteria: Invitae Variant Classification Sherloc (09022015). Collection method: clinical testing. Allele origin: germline.
Comment: This sequence change replaces serine, which is neutral and polar, with cysteine, which is neutral and slightly polar, at codon 557 of the RAD50 protein (p.Ser557Cys). This variant is not present in population databases (gnomAD no frequency). This variant has not been reported in the literature in individuals affected with RAD50-related conditions. ClinVar contains an entry for this variant (Variation ID: 457382). Invitae Evidence Modeling of protein sequence and biophysical properties (such as structural, functional, and spatial information, amino acid conservation, physicochemical variation, residue mobility, and thermodynamic stability) indicates that this missense variant is expected to disrupt RAD50 protein function with a positive predictive value of 80%. In summary, the available evidence is currently insufficient to determine the role of this variant in disease. Therefore, it has been classified as a Variant of Uncertain Significance.

Quest Diagnostics Nichols Institute San Juan Capistrano
Classification: Uncertain significance. Last evaluated: 2024-04-12. Review status: criteria provided, single submitter. Criteria: Quest Diagnostics criteria. Collection method: clinical testing. Allele origin: unknown.
Comment: The RAD50 c.1670C>G (p.Ser557Cys) variant has been reported in the published literature only in a reportedly healthy individual in a breast cancer association study (PMID: 24894818 (2014)). The frequency of this variant in the general population, 0.000004 (1/250962 chromosomes (Genome Aggregation Database)), is uninformative in the assessment of its pathogenicity. Analysis of this variant using bioinformatics tools for the prediction of the effect of amino acid changes on protein structure and function yielded conflicting predictions that this variant is benign or damaging. Based on the available information, we are unable to determine the clinical significance of this variant.

Ambry Genetics
Classification: Uncertain significance for Hereditary cancer-predisposing syndrome. Last evaluated: 2023-11-10. Review status: criteria provided, single submitter. Criteria: Ambry Variant Classification Scheme 2023. Collection method: clinical testing. Allele origin: germline.
Comment: The p.S557C variant (also known as c.1670C>G), located in coding exon 11 of the RAD50 gene, results from a C to G substitution at nucleotide position 1670. The serine at codon 557 is replaced by cysteine, an amino acid with dissimilar properties. This amino acid position is well conserved in available vertebrate species. In addition, this alteration is predicted to be tolerated by in silico analysis. Since supporting evidence is limited at this time, the clinical significance of this alteration remains unclear.

Literature cited by the submitters: PubMed 28102005 (cited by Quest Diagnostics Nichols Institute San Juan Capistrano); PubMed 26787654 (cited by Quest Diagnostics Nichols Institute San Juan Capistrano); PubMed 24894818 (cited by Quest Diagnostics Nichols Institute San Juan Capistrano).